The following is an entry in ClinVar:

ClinVar aggregate classification (germline): Uncertain significance. Review status: criteria provided, multiple submitters, no conflicts (2 of 4 stars). 5 submissions from 5 submitters: Uncertain significance (5). Last evaluated 2025-10-01.

Conditions:
Aortic aneurysm, familial thoracic 6 (AAT6). Also called: FAMILIAL THORACIC AORTIC ANEURYSM WITH LIVEDO RETICULARIS AND IRIS FLOCCULI. Identifiers: MedGen C2673186, MONDO:0012730, OMIM 611788.
Familial thoracic aortic aneurysm and aortic dissection (TAAD). Also called: Thoracic aortic aneurysms and dissections. Identifiers: Orphanet 91387, MedGen C4707243, MONDO:0019625.

Allele frequency attached by ClinVar (database versions not stated): gnomAD exomes below 0.00001.
gnomAD v4.1: 2 of 1,613,794 alleles (0.00012%); highest among the groups gnomAD compares: Non-Finnish European, 0.00017%; no homozygotes.

Submissions (5):

CeGaT Center for Human Genetics Tuebingen
Classification: Uncertain significance. Last evaluated: 2025-10-01. Review status: criteria provided, single submitter. Criteria: CeGaT Center For Human Genetics Tuebingen Variant Classification Criteria Version 2. Collection method: clinical testing. Allele origin: germline. Affected: yes. Observed: 1 variant allele.
Comment: ACTA2: PM2, PP2, PP3

Labcorp Genetics (formerly Invitae), Labcorp
Classification: Uncertain significance for Aortic aneurysm, familial thoracic 6. Last evaluated: 2025-06-30. Review status: criteria provided, single submitter. Criteria: Invitae Variant Classification Sherloc (09022015). Collection method: clinical testing. Allele origin: germline.
Comment: This sequence change replaces lysine, which is basic and polar, with arginine, which is basic and polar, at codon 86 of the ACTA2 protein (p.Lys86Arg). This variant is not present in population databases (gnomAD no frequency). This variant has not been reported in the literature in individuals affected with ACTA2-related conditions. ClinVar contains an entry for this variant (Variation ID: 536919). An algorithm developed to predict the effect of missense changes on protein structure and function (PolyPhen-2) suggests that this variant is likely to be tolerated. In summary, the available evidence is currently insufficient to determine the role of this variant in disease. Therefore, it has been classified as a Variant of Uncertain Significance.

Blueprint Genetics
Classification: Uncertain significance. Last evaluated: 2024-02-09. Review status: criteria provided, single submitter. Criteria: ACMG Guidelines, 2015. Collection method: clinical testing. Allele origin: germline.

Ambry Genetics
Classification: Uncertain significance for Familial thoracic aortic aneurysm and aortic dissection. Last evaluated: 2022-07-06. Review status: criteria provided, single submitter. Criteria: Ambry Variant Classification Scheme 2023. Collection method: clinical testing. Allele origin: germline.
Comment: The p.K86R variant (also known as c.257A>G), located in coding exon 2 of the ACTA2 gene, results from an A to G substitution at nucleotide position 257. The lysine at codon 86 is replaced by arginine, an amino acid with highly similar properties. This amino acid position is conserved. In addition, this alteration is predicted to be deleterious by in silico analysis. Since supporting evidence is limited at this time, the clinical significance of this alteration remains unclear.

Genomic Medicine Center of Excellence, King Faisal Specialist Hospital and Research Centre
Classification: Uncertain significance for Aortic aneurysm, familial thoracic 6. Review status: criteria provided, single submitter. Criteria: ACMG Guidelines, 2015. Collection method: clinical testing. Allele origin: germline.

NM_001613.4(ACTA2):c.257A>G (p.Lys86Arg)

Gene: ACTA2 (actin alpha 2, smooth muscle; minus strand). Cytogenetic location: 10q23.31.
Variant type: single nucleotide variant.
Coding change: c.257A>G on transcript NM_001613.4 (MANE Select); coding-DNA position 257, A replaced by G.
Protein change: p.Lys86Arg; replaces lysine 86 with arginine.
Molecular consequence: missense variant.
Genome position (GRCh38, 1-based): chr10:88,947,259, T>C on the plus strand (A>G on the coding strand, the complement: ACTA2 is on the minus strand). VCF-style: chr10-88947259-T-C. GRCh37 (hg19) VCF-style: chr10-90707016-T-C.
Other names: c.257A>G, p.Lys86Arg (NM_001141945.3, NM_001320855.2, NM_001406462.1 and 4 more transcripts); short protein forms K86R.
Identifiers: ClinVar variation 536919 (VCV000536919.24), dbSNP rs1554841831, ClinGen allele CA377513274.